The following is an entry in ClinVar:

ClinVar aggregate classification (germline): Pathogenic (1 of 4 stars; one submission).

Submission:

Labcorp Genetics (formerly Invitae), Labcorp
Classification: Pathogenic. Last evaluated: 2021-08-19. Review status: criteria provided, single submitter. Criteria: Invitae Variant Classification Sherloc (09022015). Collection method: clinical testing. Allele origin: germline.
Comment: For these reasons, this variant has been classified as Pathogenic. This variant has not been reported in the literature in individuals affected with USH2A-related conditions. This variant is not present in population databases (ExAC no frequency). This sequence change creates a premature translational stop signal (p.Gly4759Trpfs*21) in the USH2A gene. It is expected to result in an absent or disrupted protein product. Loss-of-function variants in USH2A are known to be pathogenic (PMID: 10729113, 10909849, 20507924, 25649381).

Literature cited by the submitters: PubMed 10729113; PubMed 10909849; PubMed 20507924; PubMed 25649381.

NM_206933.4(USH2A):c.14273dup (p.Gly4759fs)

Gene: USH2A (usherin; minus strand). Cytogenetic location: 1q41.
Variant type: Duplication.
Coding change: c.14273dup on transcript NM_206933.4 (MANE Select); coding-DNA position 14273, one base duplicated (C; older notation c.14273dupC).
Protein change: p.Gly4759fs; shifts the reading frame from glycine 4759.
Molecular consequence: frameshift variant.
Genome position (GRCh38, 1-based): chr1:215,650,662, G duplicated on the plus strand (C on the coding strand, the reverse complement: USH2A is on the minus strand); the first of 4 consecutive G bases (chr1:215,650,662-215,650,665); duplicating any one gives the same sequence. VCF-style (leftmost placement, unchanged base first): chr1-215650661-A-AG. GRCh37 (hg19) VCF-style: chr1-215824003-A-AG.
Other names: short protein forms G4759fs.
Identifiers: ClinVar variation 1425225 (VCV001425225.6), dbSNP rs2102644857, ClinGen allele CA2573131561.